The following is an entry in ClinVar:

ClinVar aggregate classification (germline): Benign. Review status: criteria provided, multiple submitters, no conflicts (2 of 4 stars). 14 submissions from 14 submitters: Benign (9). 5 of the submissions do not count toward it. Last evaluated 2026-02-04.

Conditions:
Deficiency of alpha-mannosidase (MANSA). Also called: Mannosidosis, alpha-, types I and II; LYSOSOMAL ALPHA-D-MANNOSIDASE DEFICIENCY; Alpha-Mannosidosis. Identifiers: Orphanet 61, MedGen C0024748, MONDO:0009561, OMIM 248500.

Allele frequency attached by ClinVar (database versions not stated): 1000 Genomes Project 0.32788; 1000 Genomes Project 30x 0.33729; ESP Exome Variant Server 0.45356; TOPMed 0.41783.
gnomAD v4.1: 607,144 of 1,610,788 alleles (38%); highest among the groups gnomAD compares: African/African-American, 55%; 121,803 homozygotes.

Submissions (14):

Labcorp Genetics (formerly Invitae), Labcorp
Classification: Benign for Deficiency of alpha-mannosidase. Last evaluated: 2026-02-04. Review status: criteria provided, single submitter. Criteria: Invitae Variant Classification Sherloc (09022015). Collection method: clinical testing. Allele origin: germline.

Genome-Nilou Lab
Classification: Benign for Deficiency of alpha-mannosidase. Last evaluated: 2021-06-10. Review status: criteria provided, single submitter. Criteria: ACMG Guidelines, 2015. Collection method: clinical testing. Allele origin: germline. Affected: no.

GeneDx
Classification: Benign. Last evaluated: 2018-06-13. Review status: criteria provided, single submitter. Criteria: GeneDx Variant Classification (06012015). Collection method: clinical testing. Allele origin: germline. Affected: yes.
Comment: This variant is considered likely benign or benign based on one or more of the following criteria: it is a conservative change, it occurs at a poorly conserved position in the protein, it is predicted to be benign by multiple in silico algorithms, and/or has population frequency not consistent with disease.

Illumina Laboratory Services, Illumina
Classification: Benign for Deficiency of alpha-mannosidase. Last evaluated: 2018-01-13. Review status: criteria provided, single submitter. Criteria: ICSL Variant Classification Criteria 13 December 2019. Collection method: clinical testing. Allele origin: germline.
Comment: This variant was observed in the ICSL laboratory as part of a predisposition screen in an ostensibly healthy population. It had not been previously curated by ICSL or reported in the Human Gene Mutation Database (HGMD: prior to June 1st, 2018), and was therefore a candidate for classification through an automated scoring system. Utilizing variant allele frequency, disease prevalence and penetrance estimates, and inheritance mode, an automated score was calculated to assess if this variant is too frequent to cause the disease. Based on the score and internal cut-off values, a variant classified as benign is not then subjected to further curation. The score for this variant resulted in a classification of benign for this disease.

Women's Health and Genetics/Laboratory Corporation of America, LabCorp
Classification: Benign. Last evaluated: 2017-11-07. Review status: criteria provided, single submitter. Criteria: LabCorp Variant Classification Summary - May 2015. Collection method: clinical testing. Allele origin: germline.
Comment: Variant summary: The MAN2B1 c.935C>T (p.Thr312Ile) variant involves the alteration of a non-conserved nucleotide and 3/4 in silico tools predict a benign outcome for this variant (SNPsandGO not captured due to low reliability index). This variant was found in 94194/277144 control (gnomAD) chromosomes (18497 homozygotes) at a frequency of 0.3398739, which is approximately 215 times the estimated maximal expected allele frequency of a pathogenic MAN2B1 variant (0.0015811), suggesting this variant is likely a benign polymorphism. In addition, multiple clinical diagnostic laboratories/reputable databases classified this variant as benign. Taken together, this variant is classified as benign.

Laboratory for Molecular Medicine, Mass General Brigham Personalized Medicine
Classification: Benign. Last evaluated: 2016-03-28. Review status: criteria provided, single submitter. Criteria: LMM Criteria. Collection method: clinical testing. Allele origin: germline.
Comment: Variant identified in a genome or exome case(s) and assessed due to predicted null impact of the variant or pathogenic assertions in the literature or databases. Disclaimer: This variant has not undergone full assessment. The following are preliminary notes: Frequency, ClinVar assertions are B/LB

Eurofins Ntd Llc (ga)
Classification: Benign. Last evaluated: 2015-04-24. Review status: criteria provided, single submitter. Criteria: EGL Classification Definitions 2015. Collection method: clinical testing. Allele origin: germline. Observed: 24 variant alleles, 10 heterozygotes, 14 homozygotes.

Breakthrough Genomics
Classification: Benign. Review status: criteria provided, single submitter. Criteria: ACMG Guidelines, 2015. Collection method: not provided. Allele origin: germline. Inheritance: Autosomal recessive inheritance. Affected: yes.

PreventionGenetics, part of Exact Sciences
Classification: Benign. Review status: criteria provided, single submitter. Criteria: ACMG Guidelines, 2015. Collection method: clinical testing. Allele origin: germline.

Natera, Inc.
Classification: Benign for Alpha-mannosidosis. Last evaluated: 2020-09-16. Review status: no assertion criteria provided. Collection method: clinical testing. Allele origin: germline. Not counted in ClinVar's aggregate classification.

Mayo Clinic Laboratories, Mayo Clinic
Classification: Benign. Last evaluated: 2015-10-23. Review status: no assertion criteria provided. Collection method: clinical testing. Allele origin: unknown. Not counted in ClinVar's aggregate classification.

Clinical Genetics, Academic Medical Center
Classification: Benign. Review status: no assertion criteria provided. Collection method: clinical testing. Allele origin: germline. Affected: yes. Study: VKGL Data-share Consensus. Not counted in ClinVar's aggregate classification.

Diagnostic Laboratory, Department of Genetics, University Medical Center Groningen
Classification: Benign for Deficiency of alpha-mannosidase. Review status: no assertion criteria provided. Collection method: clinical testing. Allele origin: germline. Affected: yes. Study: VKGL Data-share Consensus. Not counted in ClinVar's aggregate classification.

Genetic Services Laboratory, University of Chicago
Classification: Likely benign for AllHighlyPenetrant. Review status: no assertion criteria provided. Collection method: clinical testing. Allele origin: germline. Inheritance: Autosomal recessive inheritance. Not counted in ClinVar's aggregate classification.
Comment: Likely benign based on allele frequency in 1000 Genomes Project or ESP global frequency and its presence in a patient with a rare or unrelated disease phenotype. NOT Sanger confirmed.

NM_000528.4(MAN2B1):c.935C>T (p.Thr312Ile)

Gene: MAN2B1 (mannosidase alpha class 2B member 1; minus strand). Cytogenetic location: 19p13.13.
Variant type: single nucleotide variant.
Coding change: c.935C>T on transcript NM_000528.4 (MANE Select); coding-DNA position 935, C replaced by T.
Protein change: p.Thr312Ile; replaces threonine 312 with isoleucine.
Molecular consequence: missense variant.
Genome position (GRCh38, 1-based): chr19:12,661,351, G>A on the plus strand (C>T on the coding strand, the complement: MAN2B1 is on the minus strand). VCF-style: chr19-12661351-G-A. GRCh37 (hg19) VCF-style: chr19-12772165-G-A.
Other names: c.935C>T, p.Thr312Ile (NM_001173498.2); short protein forms T312I.
Identifiers: ClinVar variation 93218 (VCV000093218.34), dbSNP rs1054487, ClinGen allele CA146749.